The following is an entry in ClinVar:

ClinVar aggregate classification (germline): Likely benign (0 of 4 stars; one submission).

Conditions:
CUL9-related disorder. Also called: CUL9-related condition.

Allele frequency attached by ClinVar (database versions not stated): ESP Exome Variant Server 0.00138; 1000 Genomes Project 0.00180; 1000 Genomes Project 30x 0.00203.
gnomAD v4.1: 282 of 1,612,966 alleles (0.017%); highest among the groups gnomAD compares: African/African-American, 0.28%; 1 homozygote.

Submission:

PreventionGenetics, part of Exact Sciences
Classification: Likely benign for CUL9-related condition. Last evaluated: 2023-04-11. Review status: no assertion criteria provided. Collection method: clinical testing. Allele origin: germline.
Comment: This variant is classified as likely benign based on ACMG/AMP sequence variant interpretation guidelines (Richards et al. 2015 PMID: 25741868, with internal and published modifications).

NM_015089.4(CUL9):c.237G>C (p.Leu79=)

Gene: CUL9 (cullin 9; plus strand). Cytogenetic location: 6p21.1.
Variant type: single nucleotide variant.
Coding change: c.237G>C on transcript NM_015089.4 (MANE Select); coding-DNA position 237, G replaced by C.
Protein change: p.Leu79=; no amino-acid change (leucine 79 retained).
Molecular consequence: synonymous variant.
Genome position (GRCh38, 1-based): chr6:43,184,547, G>C. VCF-style: chr6-43184547-G-C. GRCh37 (hg19) VCF-style: chr6-43152285-G-C.
Identifiers: ClinVar variation 3035026 (VCV003035026.2), dbSNP rs143395829, ClinGen allele CA3817027.